The following is an entry in ClinVar:

ClinVar aggregate classification (germline): Uncertain significance. Review status: criteria provided, multiple submitters, no conflicts (2 of 4 stars). 3 submissions from 3 submitters: Uncertain significance (3). Last evaluated 2024-01-02.

Conditions:
Inborn genetic diseases. Identifiers: MedGen C0950123, MeSH D030342.
Leber congenital amaurosis 3 (LCA3). Also called: SPATA7-Related Retinitis Pigmentosa. Identifiers: MedGen C1858677, MONDO:0011415, OMIM 604232.

Allele frequency attached by ClinVar (database versions not stated): ExAC 0.00001; gnomAD 0.00001; gnomAD exomes 0.00001; TOPMed 0.00001.
gnomAD v4.1: 14 of 1,614,062 alleles (0.00087%); highest among the groups gnomAD compares: South Asian, 0.0033%; no homozygotes.

Submissions (3):

Ambry Genetics
Classification: Uncertain significance for Inborn genetic diseases. Last evaluated: 2024-01-02. Review status: criteria provided, single submitter. Criteria: Ambry Variant Classification Scheme 2023. Collection method: clinical testing. Allele origin: germline.

Labcorp Genetics (formerly Invitae), Labcorp
Classification: Uncertain significance for Leber congenital amaurosis 3. Last evaluated: 2021-08-12. Review status: criteria provided, single submitter. Criteria: Invitae Variant Classification Sherloc (09022015). Collection method: clinical testing. Allele origin: germline.
Comment: This sequence change replaces arginine with tryptophan at codon 212 of the SPATA7 protein (p.Arg212Trp). The arginine residue is moderately conserved and there is a moderate physicochemical difference between arginine and tryptophan. This variant is present in population databases (rs753250204, ExAC 0.002%). This variant has not been reported in the literature in individuals affected with SPATA7-related conditions. Algorithms developed to predict the effect of missense changes on protein structure and function are either unavailable or do not agree on the potential impact of this missense change (SIFT: "Deleterious"; PolyPhen-2: "Probably Damaging"; Align-GVGD: "Class C0"). In summary, the available evidence is currently insufficient to determine the role of this variant in disease. Therefore, it has been classified as a Variant of Uncertain Significance.

Blueprint Genetics
Classification: Uncertain significance. Last evaluated: 2018-03-07. Review status: criteria provided, single submitter. Criteria: ACMG Guidelines, 2015. Collection method: clinical testing. Allele origin: germline.

NM_018418.5(SPATA7):c.634C>T (p.Arg212Trp)

Gene: SPATA7 (spermatogenesis associated 7; plus strand). Cytogenetic location: 14q31.3.
Variant type: single nucleotide variant.
Coding change: c.634C>T on transcript NM_018418.5 (MANE Select); coding-DNA position 634, C replaced by T.
Protein change: p.Arg212Trp; replaces arginine 212 with tryptophan.
Molecular consequence: missense variant.
Genome position (GRCh38, 1-based): chr14:88,426,493, C>T. VCF-style: chr14-88426493-C-T. GRCh37 (hg19) VCF-style: chr14-88892837-C-T.
Other names: c.634C>T (NM_018418.4); c.538C>T, p.Arg180Trp (NM_001040428.4); short protein forms R180W, R212W.
Identifiers: ClinVar variation 1493611 (VCV001493611.6), dbSNP rs753250204, ClinGen allele CA7298565.